The following is an entry in ClinVar:

ClinVar aggregate classification (germline): Conflicting classifications of pathogenicity. Review status: criteria provided, conflicting classifications (1 of 4 stars). 2 submissions from 2 submitters: Likely pathogenic (1); Uncertain significance (1). Last evaluated 2024-10-10.

Conditions:
Charcot-Marie-Tooth disease type 2. Also called: Charcot-Marie-Tooth type 2. Identifiers: Orphanet 64746, MedGen C0270914, MONDO:0018993.
Emery-Dreifuss muscular dystrophy 2, autosomal dominant (EDMD2). Also called: Limb-girdle muscular dystrophy, type 1B; Muscular dystrophy, proximal, type 1B; Benign scapuloperoneal muscular dystrophy with cardiomyopathy; LMNA-Related Emery-Dreifuss Muscular Dystrophy, Autosomal; HAUPTMANN-THANNHAUSER MUSCULAR DYSTROPHY; MUSCULAR DYSTROPHY WITH EARLY CONTRACTURES AND CARDIOMYOPATHY, AUTOSOMAL DOMINANT. Identifiers: Orphanet 261, Orphanet 264, MedGen C0410190, MONDO:0021569, OMIM 181350.

Submissions (2):

Victorian Clinical Genetics Services, Murdoch Childrens Research Institute
Classification: Uncertain significance for Emery-Dreifuss muscular dystrophy 2, autosomal dominant. Last evaluated: 2024-10-10. Review status: criteria provided, single submitter. Criteria: ACMG Guidelines, 2015. Collection method: clinical testing. Allele origin: germline. Inheritance: Autosomal dominant inheritance. Affected: yes.
Comment: Based on the classification scheme VCGS_Germline_v1.3.5, this variant is classified as VUS-3A. Following criteria are met: 0103 - Dominant negative, loss of function and gain of function are known mechanisms of disease in this gene. Some missense variants have been reported to result in a toxic gain of function or dominant negative and are associated with childhood-onset disease or skeletal muscle involvement, while other variants have been reported to result in a loss of function and haploinsufficiency, and are associated with adult-onset disease, cardiac disorders or myopathy (PMID: 17377071). (I) 0108 - This gene is associated with both recessive and dominant disease (OMIM). (I) 0112 - The condition associated with this gene has incomplete penetrance (PMID: 20301609). (I) 0200 - Variant is predicted to result in a missense amino acid change from arginine to proline. (I) 0251 - This variant is heterozygous. (I) 0301 - Variant is absent from gnomAD (v2, v3 and v4). (SP) 0501 - Missense variant consistently predicted to be damaging by multiple in silico tools or highly conserved with a major amino acid change. (SP) 0600 - Variant is located in the annotated filament domain (DECIPHER). (I) 0701 - Other missense variants comparable to the one identified in this case have very strong previous evidence for pathogenicity. These alternative changes, p.(Arg89Leu), p.(Arg89Cys) and p.(Arg89Gly), have been reported as pathogenic or likely pathogenic, and observed in at least ten unrelated individuals with dilated cardiomyopathy (DCM), Emery-Dreifuss muscular dystrophy or protein aggregate myopathy (ClinVar, PMID: 21922471, PMID: 27199538, PMID: 23702046, PMID: 33170376, PMID: 20160190). Another comparable variant, p.(Arg89His), has been reported as a VUS, and observed in an individual with DCM (PMID: 24503780). (SP) 0807 - This variant has no previous evidence of pathogenicity. (I) 0905 - No published segregation evidence has been identified for this variant. (I) 1007 - No published functional evidence has been identified for this variant. (I) 1208 - Inheritance information for this variant is not currently available in this individual. (I) Legend: (SP) - Supporting pathogenic, (I) - Information, (SB) - Supporting benign

Labcorp Genetics (formerly Invitae), Labcorp
Classification: Likely pathogenic for Charcot-Marie-Tooth disease type 2. Last evaluated: 2022-12-23. Review status: criteria provided, single submitter. Criteria: Invitae Variant Classification Sherloc (09022015). Collection method: clinical testing. Allele origin: germline.
Comment: This variant disrupts the p.Arg89 amino acid residue in LMNA. Other variant(s) that disrupt this residue have been determined to be pathogenic (PMID: 12628721, 20160190, 23582089, 23702046, 26567375). This suggests that this residue is clinically significant, and that variants that disrupt this residue are likely to be disease-causing. This sequence change replaces arginine, which is basic and polar, with proline, which is neutral and non-polar, at codon 89 of the LMNA protein (p.Arg89Pro). This variant is not present in population databases (gnomAD no frequency). This variant has not been reported in the literature in individuals affected with LMNA-related conditions. ClinVar contains an entry for this variant (Variation ID: 1364307). Advanced modeling of protein sequence and biophysical properties (such as structural, functional, and spatial information, amino acid conservation, physicochemical variation, residue mobility, and thermodynamic stability) performed at Invitae indicates that this missense variant is expected to disrupt LMNA protein function. In summary, the currently available evidence indicates that the variant is pathogenic, but additional data are needed to prove that conclusively. Therefore, this variant has been classified as Likely Pathogenic.

Literature cited by the submitters: PubMed 17377071 (cited by Victorian Clinical Genetics Services, Murdoch Childrens Research Institute); PubMed 20160190 (cited by Victorian Clinical Genetics Services, Murdoch Childrens Research Institute and Labcorp Genetics (formerly Invitae), Labcorp); PubMed 20301609 (cited by Victorian Clinical Genetics Services, Murdoch Childrens Research Institute); PubMed 21922471 (cited by Victorian Clinical Genetics Services, Murdoch Childrens Research Institute); PubMed 23702046 (cited by Victorian Clinical Genetics Services, Murdoch Childrens Research Institute and Labcorp Genetics (formerly Invitae), Labcorp); PubMed 24503780 (cited by Victorian Clinical Genetics Services, Murdoch Childrens Research Institute); PubMed 27199538 (cited by Victorian Clinical Genetics Services, Murdoch Childrens Research Institute); PubMed 33170376 (cited by Victorian Clinical Genetics Services, Murdoch Childrens Research Institute); PubMed 12628721 (cited by Labcorp Genetics (formerly Invitae), Labcorp); PubMed 23582089 (cited by Labcorp Genetics (formerly Invitae), Labcorp); PubMed 26567375 (cited by Labcorp Genetics (formerly Invitae), Labcorp).

NM_170707.4(LMNA):c.266G>C (p.Arg89Pro)

Gene: LMNA (lamin A/C; plus strand). Cytogenetic location: 1q22.
Variant type: single nucleotide variant.
Coding change: c.266G>C on transcript NM_170707.4 (MANE Select); coding-DNA position 266, G replaced by C.
Protein change: p.Arg89Pro; replaces arginine 89 with proline.
Molecular consequence: missense variant.
Genome position (GRCh38, 1-based): chr1:156,115,184, G>C. VCF-style: chr1-156115184-G-C. GRCh37 (hg19) VCF-style: chr1-156084975-G-C.
Other names: c.266G>C (NM_170707.3); c.266G>C, p.Arg89Pro (NM_001282625.2, NM_001282626.2, NM_005572.4 and 1 more transcripts); short protein forms R89P.
Identifiers: ClinVar variation 1364307 (VCV001364307.9), dbSNP rs59040894, ClinGen allele CA342808527.